The following is an entry in ClinVar:

NM_001373.1:c.4130T>C

Gene: DNAH14 (dynein axonemal heavy chain 14; plus strand).
Variant type: single nucleotide variant.
Identifiers: ClinVar variation 4527723 (VCV004527723.1).

ClinVar aggregate classification (germline): Uncertain significance (1 of 4 stars; one submission).

Submission:

GeneDx
Classification: Uncertain significance. Last evaluated: 2025-04-30. Review status: criteria provided, single submitter. Criteria: GeneDx Variant Classification Process June 2021. Collection method: clinical testing. Allele origin: germline. Affected: yes.
Comment: In silico analysis indicates that this missense variant does not alter protein structure/function; Has not been previously published as pathogenic or benign to our knowledge